The following is an entry in ClinVar:

ClinVar aggregate classification (germline): Likely pathogenic (1 of 4 stars; one submission).

Conditions:
Hermansky-Pudlak syndrome 1 (HPS1). Also called: DELTA STORAGE POOL DISEASE. Identifiers: Orphanet 231500, Orphanet 79430, MedGen C2931875, MONDO:0008748, OMIM 203300.

Submission:

Baylor Genetics
Classification: Likely pathogenic for Hermansky-Pudlak syndrome 1. Last evaluated: 2018-03-15. Review status: criteria provided, single submitter. Criteria: ACMG Guidelines, 2015. Collection method: clinical testing. Allele origin: unknown. Affected: yes.
Comment: This variant was determined to be likely pathogenic according to ACMG Guidelines, 2015 [PMID:25741868].

NM_000195.5(HPS1):c.81del (p.Arg27_Leu28insTer)

Gene: HPS1 (HPS1 biogenesis of lysosomal organelles complex 3 subunit 1; minus strand). Cytogenetic location: 10q24.2.
Variant type: Deletion.
Coding change: c.81del on transcript NM_000195.5 (MANE Select); coding-DNA position 81, one base deleted (G; older notation c.81delG).
Protein change: p.Arg27_Leu28insTer.
Molecular consequence: frameshift variant. On other transcripts: 5 prime UTR variant (6).
Genome position (GRCh38, 1-based): chr10:98,443,160, C deleted on the plus strand (G on the coding strand, the reverse complement: HPS1 is on the minus strand); the first of 2 consecutive C bases (chr10:98,443,160-98,443,161); deleting either gives the same sequence. VCF-style (leftmost placement, unchanged base first): chr10-98443159-GC-G. GRCh37 (hg19) VCF-style: chr10-100202916-GC-G.
Other names: c.-693del (NM_001322489.2); c.81del, p.Arg27_Leu28insTer (NM_001322490.2, NM_001322491.2, NM_001322492.2 and 8 more transcripts); c.-836del (NM_001311345.2); c.-146del (NM_001322483.2, NM_001322484.2, NM_001322485.2); c.-935del (NM_001322487.2).
Identifiers: ClinVar variation 1032251 (VCV001032251.1), dbSNP rs1938751649, ClinGen allele CA1930892709.